The following is an entry in ClinVar:

NM_003322.6(TULP1):c.1207C>G (p.Leu403Val)

Gene: TULP1 (TUB like protein 1; minus strand). Cytogenetic location: 6p21.31.
Variant type: single nucleotide variant.
Coding change: c.1207C>G on transcript NM_003322.6 (MANE Select); coding-DNA position 1207, C replaced by G.
Protein change: p.Leu403Val; replaces leucine 403 with valine.
Molecular consequence: missense variant.
Genome position (GRCh38, 1-based): chr6:35,503,754, G>C on the plus strand (C>G on the coding strand, the complement: TULP1 is on the minus strand). VCF-style: chr6-35503754-G-C. GRCh37 (hg19) VCF-style: chr6-35471531-G-C.
Other names: c.1048C>G, p.Leu350Val (NM_001289395.2); short protein forms L350V, L403V.
Identifiers: ClinVar variation 3236015 (VCV003236015.1), dbSNP rs1185913595, ClinGen allele CA363779276.

ClinVar aggregate classification (germline): Uncertain significance (1 of 4 stars; one submission).

Conditions:
Retinitis pigmentosa 14 (RP14). Also called: RETINITIS PIGMENTOSA, JUVENILE, TULP1-RELATED. Identifiers: Orphanet 791, MedGen C1838603, MONDO:0010827, OMIM 600132.

Allele frequency attached by ClinVar (database versions not stated): gnomAD exomes below 0.00001.
gnomAD v4.1: 1 of 1,613,332 alleles (0.000062%); highest among the groups gnomAD compares: Non-Finnish European, 0.000085%; no homozygotes.

Submission:

MVZ Medizinische Genetik Mainz
Classification: Uncertain significance for Retinitis pigmentosa 14. Last evaluated: 2024-01-15. Review status: criteria provided, single submitter. Criteria: UK Practice Guidelines For Variant Classification V4 01 2020. Collection method: clinical testing. Allele origin: germline. Inheritance: Autosomal recessive inheritance. Affected: yes. Observed: 1 variant allele.
Comment: ACMG Criteria: PM2_SUP,PP2,PP3